The following is an entry in ClinVar:

NM_017950.4(CCDC40):c.1258C>G (p.Gln420Glu)

Gene: CCDC40 (coiled-coil domain 40 molecular ruler complex subunit; plus strand). Cytogenetic location: 17q25.3.
Variant type: single nucleotide variant.
Coding change: c.1258C>G on transcript NM_017950.4 (MANE Select); coding-DNA position 1258, C replaced by G.
Protein change: p.Gln420Glu; replaces glutamine 420 with glutamic acid.
Molecular consequence: missense variant.
Genome position (GRCh38, 1-based): chr17:80,058,592, C>G. VCF-style: chr17-80058592-C-G. GRCh37 (hg19) VCF-style: chr17-78032391-C-G.
Other names: c.1258C>G, p.Gln420Glu (NM_001243342.2, NM_001330508.2); short protein forms Q420E.
Identifiers: ClinVar variation 1705859 (VCV001705859.6), dbSNP rs770957455, ClinGen allele CA401324242.
Genomic context (GRCh38, chr17:80,058,592, plus strand): 5'-CATCTCTTCTACATGCAGAACATCGACCAGGACATGCGTGACGACATCCGCGTGATGACA[C>G]AAGTGGTAAAGAAGGCCGAGACGGAGAGGATCCGGGCAGAAATCGAGAAGAAAAAGCAGG-3'
Protein context (NP_060420.2, residues 410-430): DMRDDIRVMT[Gln420Glu]VVKKAETERI

ClinVar aggregate classification (germline): Uncertain significance. Review status: criteria provided, multiple submitters, no conflicts (2 of 4 stars). 2 submissions from 2 submitters: Uncertain significance (2). Last evaluated 2022-06-28.

Conditions:
Primary ciliary dyskinesia. Also called: Ciliary dyskinesia. Identifiers: Orphanet 244, MedGen C0008780, MONDO:0016575, HP:0012265.

Submissions (2):

Labcorp Genetics (formerly Invitae), Labcorp
Classification: Uncertain significance for Primary ciliary dyskinesia. Last evaluated: 2022-06-28. Review status: criteria provided, single submitter. Criteria: Invitae Variant Classification Sherloc (09022015). Collection method: clinical testing. Allele origin: germline.
Comment: Algorithms developed to predict the effect of missense changes on protein structure and function are either unavailable or do not agree on the potential impact of this missense change (SIFT: "Deleterious"; PolyPhen-2: "Benign"; Align-GVGD: "Class C0"). This variant has not been reported in the literature in individuals affected with CCDC40-related conditions. In summary, the available evidence is currently insufficient to determine the role of this variant in disease. Therefore, it has been classified as a Variant of Uncertain Significance. This variant is not present in population databases (gnomAD no frequency). This sequence change replaces glutamine, which is neutral and polar, with glutamic acid, which is acidic and polar, at codon 420 of the CCDC40 protein (p.Gln420Glu).

UNC Molecular Genetics  Laboratory, University of North Carolina at Chapel Hill
Classification: Uncertain significance for Primary ciliary dyskinesia. Last evaluated: 2022-05-05. Review status: criteria provided, single submitter. Criteria: ACMG Guidelines, 2015. Collection method: clinical testing. Allele origin: germline. Observed: 1 heterozygote.